The following is an entry in ClinVar:

ClinVar aggregate classification (germline): Benign/Likely benign. Review status: criteria provided, multiple submitters, no conflicts (2 of 4 stars). 3 submissions from 3 submitters: Benign (2); Likely benign (1). Last evaluated 2026-01-16.

Allele frequency attached by ClinVar (database versions not stated): 1000 Genomes Project 30x 0.01952; 1000 Genomes Project 0.02017; gnomAD 0.02539 and 0.02541; TOPMed 0.02563; ESP Exome Variant Server 0.02993.
gnomAD v4.1: 55,205 of 1,612,578 alleles (3.4%); highest among the groups gnomAD compares: Non-Finnish European, 3.9%; 1,071 homozygotes.

Submissions (3):

Labcorp Genetics (formerly Invitae), Labcorp
Classification: Benign. Last evaluated: 2026-01-16. Review status: criteria provided, single submitter. Criteria: Invitae Variant Classification Sherloc (09022015). Collection method: clinical testing. Allele origin: germline.

GeneDx
Classification: Likely benign. Last evaluated: 2022-05-09. Review status: criteria provided, single submitter. Criteria: GeneDx Variant Classification Process June 2021. Collection method: clinical testing. Allele origin: germline. Affected: yes.
Comment: See Variant Classification Assertion Criteria.

Breakthrough Genomics
Classification: Benign. Review status: criteria provided, single submitter. Criteria: ACMG Guidelines, 2015. Collection method: not provided. Allele origin: germline. Inheritance: Autosomal recessive inheritance. Affected: yes.

NM_015065.3(EXPH5):c.983G>A (p.Arg328Gln)

Gene: EXPH5 (exophilin 5; minus strand). Cytogenetic location: 11q22.3.
Variant type: single nucleotide variant.
Coding change: c.983G>A on transcript NM_015065.3 (MANE Select); coding-DNA position 983, G replaced by A.
Protein change: p.Arg328Gln; replaces arginine 328 with glutamine.
Molecular consequence: missense variant.
Genome position (GRCh38, 1-based): chr11:108,514,524, C>T on the plus strand (G>A on the coding strand, the complement: EXPH5 is on the minus strand). VCF-style: chr11-108514524-C-T. GRCh37 (hg19) VCF-style: chr11-108385251-C-T.
Other names: c.755G>A, p.Arg252Gln (NM_001144763.2); c.515G>A, p.Arg172Gln (NM_001144764.2); c.419G>A, p.Arg140Gln (NM_001144765.2); c.962G>A, p.Arg321Gln (NM_001308019.2); short protein forms R140Q, R172Q, R252Q, R321Q, R328Q.
Identifiers: ClinVar variation 1533390 (VCV001533390.10), dbSNP rs11212684, ClinGen allele CA6268121.